The following is an entry in ClinVar:

ClinVar aggregate classification (germline): Uncertain significance (1 of 4 stars; one submission).

Conditions:
Amyloidosis, hereditary systemic 1 (AMYLD1). Also called: AMYLOID CARDIOMYOPATHY; Familial amyloid polyneuropathy; Transthyretin Amyloidosis; Hereditary oculoleptomeningeal amyloid angiopathy; Familial Transthyretin Amyloidosis; Hereditary Transthyretin Amyloidosis. Identifiers: Orphanet 85447, Orphanet 85451, MedGen C2751492, MONDO:0971004, OMIM 105210.

Submission:

Labcorp Genetics (formerly Invitae), Labcorp
Classification: Uncertain significance for Amyloidosis, hereditary systemic 1. Last evaluated: 2025-10-07. Review status: criteria provided, single submitter. Criteria: Invitae Variant Classification Sherloc (09022015). Collection method: clinical testing. Allele origin: germline.
Comment: This sequence change replaces arginine, which is basic and polar, with proline, which is neutral and non-polar, at codon 41 of the TTR protein (p.Arg41Pro). This variant is not present in population databases (gnomAD no frequency). This variant has not been reported in the literature in individuals affected with TTR-related conditions. Invitae Evidence Modeling of protein sequence and biophysical properties (such as structural, functional, and spatial information, amino acid conservation, physicochemical variation, residue mobility, and thermodynamic stability) indicates that this missense variant is expected to disrupt TTR protein function with a positive predictive value of 95%. In summary, the available evidence is currently insufficient to determine the role of this variant in disease. Therefore, it has been classified as a Variant of Uncertain Significance.

NM_000371.4(TTR):c.122G>C (p.Arg41Pro)

Gene: TTR (transthyretin; plus strand). Cytogenetic location: 18q12.1.
Variant type: single nucleotide variant.
Coding change: c.122G>C on transcript NM_000371.4 (MANE Select); coding-DNA position 122, G replaced by C.
Protein change: p.Arg41Pro; replaces arginine 41 with proline.
Molecular consequence: missense variant.
Genome position (GRCh38, 1-based): chr18:31,592,948, G>C. VCF-style: chr18-31592948-G-C. GRCh37 (hg19) VCF-style: chr18-29172911-G-C.
Other names: short protein forms R41P.
Identifiers: ClinVar variation 4722495 (VCV004722495.1).
Genomic context (GRCh38, chr18:31,592,948, plus strand): 5'-ACACCCAGGGCACCGGTGAATCCAAGTGTCCTCTGATGGTCAAAGTTCTAGATGCTGTCC[G>C]AGGCAGTCCTGCCATCAATGTGGCCGTGCATGTGTTCAGAAAGGCTGCTGATGACACCTG-3'
Protein context (NP_000362.1, residues 31-51): PLMVKVLDAV[Arg41Pro]GSPAINVAVH